The following is an entry in ClinVar:

ClinVar aggregate classification (germline): Uncertain significance. Review status: criteria provided, multiple submitters, no conflicts (2 of 4 stars). 2 submissions from 2 submitters: Uncertain significance (2). Last evaluated 2025-01-18.

Conditions:
Joubert syndrome 21 (JBTS21). Identifiers: MedGen C3810212, MONDO:0014288, OMIM 615636.
Inborn genetic diseases. Identifiers: MedGen C0950123, MeSH D030342.

Allele frequency attached by ClinVar (database versions not stated): gnomAD exomes 0.00007; gnomAD 0.00009 and 0.00007; 1000 Genomes Project 0.00020; 1000 Genomes Project 30x 0.00047; ExAC 0.00009; TOPMed 0.00004.
gnomAD v4.1: 123 of 1,613,210 alleles (0.0076%); highest among the groups gnomAD compares: Middle Eastern, 0.066%; no homozygotes.

Submissions (2):

Ambry Genetics
Classification: Uncertain significance for Inborn genetic diseases. Last evaluated: 2025-01-18. Review status: criteria provided, single submitter. Criteria: Ambry Variant Classification Scheme 2023. Collection method: clinical testing. Allele origin: germline.

Labcorp Genetics (formerly Invitae), Labcorp
Classification: Uncertain significance for Joubert syndrome 21. Last evaluated: 2025-01-05. Review status: criteria provided, single submitter. Criteria: Invitae Variant Classification Sherloc (09022015). Collection method: clinical testing. Allele origin: germline.
Comment: This sequence change replaces proline, which is neutral and non-polar, with serine, which is neutral and polar, at codon 1148 of the CSPP1 protein (p.Pro1148Ser). This variant is present in population databases (rs181079660, gnomAD 0.03%). This variant has not been reported in the literature in individuals affected with CSPP1-related conditions. ClinVar contains an entry for this variant (Variation ID: 1517301). An algorithm developed to predict the effect of missense changes on protein structure and function (PolyPhen-2) suggests that this variant¬†is likely to be tolerated. In summary, the available evidence is currently insufficient to determine the role of this variant in disease. Therefore, it has been classified as a Variant of Uncertain Significance.

NM_001382391.1(CSPP1):c.3457C>T (p.Pro1153Ser)

Genes: ARFGEF1 (ARF guanine nucleotide exchange factor 1; minus strand), CSPP1 (centrosome and spindle pole associated protein 1; plus strand). Cytogenetic location: 8q13.2.
Variant type: single nucleotide variant.
Coding change: c.3457C>T on transcript NM_001382391.1 (MANE Select); coding-DNA position 3457, C replaced by T.
Protein change: p.Pro1153Ser; replaces proline 1153 with serine.
Molecular consequence: missense variant. On other transcripts: intron variant (3).
Genome position (GRCh38, 1-based): chr8:67,193,590, C>T. VCF-style: chr8-67193590-C-T. GRCh37 (hg19) VCF-style: chr8-68105825-C-T.
Other names: c.2407C>T, p.Pro803Ser (NM_001291339.2); c.3376C>T, p.Pro1126Ser (NM_001363131.2); c.3262C>T, p.Pro1088Ser (NM_001363132.2); c.3181C>T, p.Pro1061Ser (NM_001363133.2); c.3523C>T, p.Pro1175Ser (NM_001364869.1); c.3343C>T, p.Pro1115Ser (NM_001364870.1); c.3289C>T, p.Pro1097Ser (NM_001438330.1); c.2758C>T, p.Pro920Ser (NM_001438332.1); and 4 more; short protein forms P1088S, P1115S, P1148S, P1153S, P1175S, P1061S, P803S, P1126S.
Identifiers: ClinVar variation 1517301 (VCV001517301.7), dbSNP rs181079660, ClinGen allele CA4771178.
Genomic context (GRCh38, chr8:67,193,590, plus strand): 5'-GATGAGCTTAGAGTGAGAAATGAGGAACGAATGCGAAGACTGAATGAATTTCACAATAAA[C>T]CTATTAATACAGGTAAATGACCAAGTGTAATGGCCTATAGTAGAATCCTGTATGAACTTT-3'
Protein context (NP_001369320.1, residues 1143-1163): MRRLNEFHNK[Pro1153Ser]INTDDESSLV